The following is an entry in ClinVar:

ClinVar aggregate classification (germline): Conflicting classifications of pathogenicity. Review status: criteria provided, conflicting classifications (1 of 4 stars). 4 submissions from 4 submitters: Uncertain significance (1); Likely benign (3). Last evaluated 2026-01-01.

Conditions:
Familial cold autoinflammatory syndrome 2 (FCAS2). Identifiers: Orphanet 247868, MedGen C2673198, MONDO:0012724, OMIM 611762.
Inborn genetic diseases. Identifiers: MedGen C0950123, MeSH D030342.

Allele frequency attached by ClinVar (database versions not stated): gnomAD exomes 0.00005 and 0.00013; ExAC 0.00015; 1000 Genomes Project 30x 0.00016; 1000 Genomes Project 0.00020; gnomAD 0.00039 and 0.00042; TOPMed 0.00046; ESP Exome Variant Server 0.00085.
gnomAD v4.1: 130 of 1,613,870 alleles (0.0081%); highest among the groups gnomAD compares: African/African-American, 0.14%; no homozygotes.

Submissions (4):

Labcorp Genetics (formerly Invitae), Labcorp
Classification: Likely benign for Familial cold autoinflammatory syndrome 2. Last evaluated: 2026-01-01. Review status: criteria provided, single submitter. Criteria: Invitae Variant Classification Sherloc (09022015). Collection method: clinical testing. Allele origin: germline.

Ambry Genetics
Classification: Uncertain significance for Inborn genetic diseases. Last evaluated: 2024-12-02. Review status: criteria provided, single submitter. Criteria: Ambry Variant Classification Scheme 2023. Collection method: clinical testing. Allele origin: germline.

CeGaT Center for Human Genetics Tuebingen
Classification: Likely benign. Last evaluated: 2023-06-01. Review status: criteria provided, single submitter. Criteria: CeGaT Center For Human Genetics Tuebingen Variant Classification Criteria Version 2. Collection method: clinical testing. Allele origin: germline. Affected: yes. Observed: 1 variant allele.
Comment: NLRP12: BP4, BS1

ARUP Laboratories, Molecular Genetics and Genomics, ARUP Laboratories
Classification: Likely benign for Familial cold autoinflammatory syndrome 2. Last evaluated: 2023-03-23. Review status: criteria provided, single submitter. Criteria: ARUP Molecular Germline Variant Investigation Process 2024. Collection method: clinical testing. Allele origin: germline.

NM_144687.4(NLRP12):c.559G>A (p.Val187Met)

Gene: NLRP12 (NLR family pyrin domain containing 12; minus strand). Cytogenetic location: 19q13.42.
Variant type: single nucleotide variant.
Coding change: c.559G>A on transcript NM_144687.4 (MANE Select); coding-DNA position 559, G replaced by A.
Protein change: p.Val187Met; replaces valine 187 with methionine.
Molecular consequence: missense variant.
Genome position (GRCh38, 1-based): chr19:53,811,100, C>T on the plus strand (G>A on the coding strand, the complement: NLRP12 is on the minus strand). VCF-style: chr19-53811100-C-T. GRCh37 (hg19) VCF-style: chr19-54314354-C-T.
Other names: c.559G>A (NM_144687.2); c.559G>A, p.Val187Met (NM_001277126.2, NM_001277129.1); short protein forms V187M.
Identifiers: ClinVar variation 719611 (VCV000719611.40), dbSNP rs147355465, ClinGen allele CA9639673.
Genomic context (GRCh38, chr19:53,811,100, plus strand): 5'-GGCGCTCCTCGTCTGGCTCAAAGAGGGTCTCTATCTTGATGGGGCTAGCCTGGTGTCCCA[C>T]GGTCCTCGCGTGTCCCCGGCCTGTGTCCAGAAGCTGCTGCTGGACCTGCATGGGGTTTGA-3'
Protein context (NP_653288.1, residues 177-197): LDTGRGHART[Val187Met]GHQASPIKIE